The following is an entry in ClinVar:

NM_004859.4(CLTC):c.4912C>T (p.Gln1638Ter)

Gene: CLTC (clathrin heavy chain; plus strand). Cytogenetic location: 17q23.1.
Variant type: single nucleotide variant.
Coding change: c.4912C>T on transcript NM_004859.4 (MANE Select); coding-DNA position 4912, C replaced by T.
Protein change: p.Gln1638Ter; replaces glutamine 1638 with a stop codon.
Molecular consequence: nonsense.
Genome position (GRCh38, 1-based): chr17:59,693,736, C>T. VCF-style: chr17-59693736-C-T. GRCh37 (hg19) VCF-style: chr17-57771097-C-T.
Other names: c.4924C>T, p.Gln1642Ter (NM_001288653.2); short protein forms Q1638*, Q1642*.
Identifiers: ClinVar variation 4845561 (VCV004845561.1).

ClinVar aggregate classification (germline): Likely pathogenic (1 of 4 stars; one submission).

Conditions:
Intellectual developmental disorder, autosomal dominant 56. Also called: MENTAL RETARDATION, AUTOSOMAL DOMINANT 56; Intellectual disability, autosomal dominant 56. Identifiers: MedGen C4693389, MONDO:0030922, OMIM 617854.

Submission:

Greenwood Genetic Center Diagnostic Laboratories, Greenwood Genetic Center
Classification: Likely pathogenic for Intellectual developmental disorder, autosomal dominant 56. Last evaluated: 2025-12-30. Review status: criteria provided, single submitter. Criteria: ACMG Guidelines, 2015. Collection method: clinical testing. Allele origin: germline. Affected: yes.
Comment: PM2, PM6, - use director discretion to upgrade to likely path RL 12/30/25